The following is an entry in ClinVar:

NM_198428.3(BBS9):c.1538-10T>A

Gene: BBS9 (Bardet-Biedl syndrome 9; plus strand). Cytogenetic location: 7p14.3.
Variant type: single nucleotide variant.
Coding change: c.1538-10T>A on transcript NM_198428.3 (MANE Select); 10 bases into the intron before coding-DNA position 1538, T replaced by A.
Molecular consequence: intron variant.
Genome position (GRCh38, 1-based): chr7:33,352,849, T>A. VCF-style: chr7-33352849-T-A. GRCh37 (hg19) VCF-style: chr7-33392461-T-A.
Other names: c.1538-10T>A (NM_001348036.1, NM_001362679.1, NM_001348041.4 and 1 more transcripts); c.1265-10T>A (NM_001348038.3); c.1160-10T>A (NM_001348039.3); c.1537+1526T>A (NM_001033605.2); c.1433-10T>A (NM_001033604.2); c.1432+3679T>A (NM_014451.4, NM_001348040.3); c.1172-10T>A (NM_001348037.3, NM_001348045.3, NM_001348046.3); c.1403-10T>A (NM_001348042.3); and 1 more.
Identifiers: ClinVar variation 4986692 (VCV004986692.1).

ClinVar aggregate classification (germline): Uncertain significance (1 of 4 stars; one submission).

Conditions:
BBS9-related disorder. Also called: BBS9-related condition.

gnomAD v4.1: 2 of 1,612,800 alleles (0.00012%); highest among the groups gnomAD compares: South Asian, 0.0022%; no homozygotes.

Submission:

PreventionGenetics, part of Exact Sciences
Classification: Uncertain significance for BBS9-related condition. Last evaluated: 2025-03-05. Review status: criteria provided, single submitter. Criteria: ACMG Guidelines, 2015. Collection method: clinical testing. Allele origin: germline.
Comment: The BBS9 c.1538-10T>A variant is predicted to interfere with splicing. To our knowledge, this variant has not been reported in the literature. This variant is reported in 0.0033% of alleles in individuals of South Asian descent in gnomAD. This variant is predicted to impact splicing based on splicing prediction programs (SpliceAI, Jaganathan et al. 2019. PubMed ID: 30661751). However, the use of computer prediction programs is not equivalent to functional evidence, and therefore the clinical significance of this variant is uncertain.